The following is an entry in ClinVar:

NM_000124.4(ERCC6):c.3522_3523delinsTT (p.Met1174_Glu1175delinsIleTer)

Gene: ERCC6 (ERCC excision repair 6, chromatin remodeling factor; minus strand). Cytogenetic location: 10q11.23.
Variant type: Indel.
Coding change: c.3522_3523delinsTT on transcript NM_000124.4 (MANE Select); coding-DNA positions 3522 to 3523, GG replaced by TT.
Protein change: p.Met1174_Glu1175delinsIleTer.
Molecular consequence: nonsense.
Genome position (GRCh38, 1-based): chr10:49,470,437-49,470,438, CC replaced by AA on the plus strand (GG replaced by TT on the coding strand, the reverse complement: ERCC6 is on the minus strand). VCF-style: chr10-49470437-CC-AA. GRCh37 (hg19) VCF-style: chr10-50678483-CC-AA.
Other names: c.3522_3523delinsTT, p.Met1174_Glu1175delinsIleTer (NM_001346440.2).
Identifiers: ClinVar variation 1072519 (VCV001072519.7), dbSNP rs2132537076, ClinGen allele CA2499220247.
Genomic context (GRCh38, chr10:49,470,437, plus strand): 5'-TCTCTTCTTCTGCCACACTATGATGTTTTGTTTTTGACTTGTGCTTATAAAAATTATTTT[CC>AA]ATTTGTTTATTCTCCCAAAAAGCTTCTGTTTGAGCCTGGCTGGGTCTTTCTCTTTTGTAA-3'

ClinVar aggregate classification (germline): Pathogenic (1 of 4 stars; one submission).

Submission:

Labcorp Genetics (formerly Invitae), Labcorp
Classification: Pathogenic. Last evaluated: 2020-10-18. Review status: criteria provided, single submitter. Criteria: Invitae Variant Classification Sherloc (09022015). Collection method: clinical testing. Allele origin: germline.
Comment: This variant has not been reported in the literature in individuals with ERCC6-related conditions. The frequency data for this variant in the population databases is not available, as this variant may be reported as separate entries in the ExAC database. This sequence change creates a premature translational stop signal (p.Met1174_Glu1175delinsIle*) in the ERCC6 gene. It is expected to result in an absent or disrupted protein product. Loss-of-function variants in ERCC6 are known to be pathogenic (PMID: 18628313, 29572252). For these reasons, this variant has been classified as Pathogenic.

Literature cited by the submitters: PubMed 18628313; PubMed 29572252.